The following is an entry in ClinVar:

ClinVar aggregate classification (germline): Uncertain significance. Review status: criteria provided, multiple submitters, no conflicts (2 of 4 stars). 4 submissions from 4 submitters: Uncertain significance (4). Last evaluated 2025-12-22.

Conditions:
Inborn genetic diseases. Identifiers: MedGen C0950123, MeSH D030342.

Allele frequency attached by ClinVar (database versions not stated): gnomAD exomes 0.00002 and 0.00008; ExAC 0.00007; gnomAD 0.00020 and 0.00021; TOPMed 0.00029; 1000 Genomes Project 0.00060; 1000 Genomes Project 30x 0.00062.
gnomAD v4.1: 72 of 1,614,196 alleles (0.0045%); highest among the groups gnomAD compares: Admixed American, 0.052%; 1 homozygote.

Submissions (4):

Labcorp Genetics (formerly Invitae), Labcorp
Classification: Uncertain significance. Last evaluated: 2025-12-22. Review status: criteria provided, single submitter. Criteria: Invitae Variant Classification Sherloc (09022015). Collection method: clinical testing. Allele origin: germline.
Comment: This sequence change replaces histidine, which is basic and polar, with arginine, which is basic and polar, at codon 269 of the BMP2 protein (p.His269Arg). This variant is present in population databases (rs191265322, gnomAD 0.02%), including at least one homozygous and/or hemizygous individual. This variant has not been reported in the literature in individuals affected with BMP2-related conditions. ClinVar contains an entry for this variant (Variation ID: 840957). An algorithm developed to predict the effect of missense changes on protein structure and function (PolyPhen-2) suggests that this variant is likely to be disruptive. In summary, the available evidence is currently insufficient to determine the role of this variant in disease. Therefore, it has been classified as a Variant of Uncertain Significance.

Ambry Genetics
Classification: Uncertain significance for Inborn genetic diseases. Last evaluated: 2025-08-03. Review status: criteria provided, single submitter. Criteria: Ambry Variant Classification Scheme 2023. Collection method: clinical testing. Allele origin: germline.

GeneDx
Classification: Uncertain significance. Last evaluated: 2025-05-15. Review status: criteria provided, single submitter. Criteria: GeneDx Variant Classification Process June 2021. Collection method: clinical testing. Allele origin: germline. Affected: yes.
Comment: In silico analysis supports that this missense variant has a deleterious effect on protein structure/function; Has not been previously published as pathogenic or benign to our knowledge

Blueprint Genetics
Classification: Uncertain significance. Last evaluated: 2024-11-04. Review status: criteria provided, single submitter. Criteria: ACMG Guidelines, 2015. Collection method: clinical testing. Allele origin: germline.

NM_001200.4(BMP2):c.806A>G (p.His269Arg)

Gene: BMP2 (bone morphogenetic protein 2; plus strand). Cytogenetic location: 20p12.3.
Variant type: single nucleotide variant.
Coding change: c.806A>G on transcript NM_001200.4 (MANE Select); coding-DNA position 806, A replaced by G.
Protein change: p.His269Arg; replaces histidine 269 with arginine.
Molecular consequence: missense variant.
Genome position (GRCh38, 1-based): chr20:6,778,704, A>G. VCF-style: chr20-6778704-A-G. GRCh37 (hg19) VCF-style: chr20-6759351-A-G.
Other names: c.806A>G (NM_001200.2); short protein forms H269R.
Identifiers: ClinVar variation 840957 (VCV000840957.10), dbSNP rs191265322, ClinGen allele CA9758750.